The following is an entry in ClinVar:

ClinVar aggregate classification (germline): Uncertain significance. Review status: criteria provided, multiple submitters, no conflicts (2 of 4 stars). 2 submissions from 2 submitters: Uncertain significance (2). Last evaluated 2025-10-13.

Conditions:
Glycine encephalopathy. Also called: Non-ketotic hyperglycinemia; Nonketotic hyperglycinemia. Identifiers: Orphanet 407, MedGen C0751748, MONDO:0011612, HP:0008288.

Allele frequency attached by ClinVar (database versions not stated): TOPMed below 0.00001; gnomAD exomes 0.00002 and 0.00004; ExAC 0.00004.
gnomAD v4.1: 33 of 1,613,696 alleles (0.002%); highest among the groups gnomAD compares: South Asian, 0.031%; no homozygotes.

Submissions (2):

Labcorp Genetics (formerly Invitae), Labcorp
Classification: Uncertain significance for Glycine encephalopathy. Last evaluated: 2025-10-13. Review status: criteria provided, single submitter. Criteria: Invitae Variant Classification Sherloc (09022015). Collection method: clinical testing. Allele origin: germline.
Comment: This sequence change replaces asparagine, which is neutral and polar, with aspartic acid, which is acidic and polar, at codon 98 of the GLDC protein (p.Asn98Asp). This variant is present in population databases (rs750964572, gnomAD 0.04%). This variant has not been reported in the literature in individuals affected with GLDC-related conditions. ClinVar contains an entry for this variant (Variation ID: 1304270). Invitae Evidence Modeling of protein sequence and biophysical properties (such as structural, functional, and spatial information, amino acid conservation, physicochemical variation, residue mobility, and thermodynamic stability) indicates that this missense variant is not expected to disrupt GLDC protein function with a negative predictive value of 95%. In summary, the available evidence is currently insufficient to determine the role of this variant in disease. Therefore, it has been classified as a Variant of Uncertain Significance.

GeneDx
Classification: Uncertain significance. Last evaluated: 2025-02-21. Review status: criteria provided, single submitter. Criteria: GeneDx Variant Classification Process June 2021. Collection method: clinical testing. Allele origin: germline. Affected: yes.
Comment: In silico analysis indicates that this missense variant does not alter protein structure/function; Has not been previously published as pathogenic or benign to our knowledge

NM_000170.3(GLDC):c.292A>G (p.Asn98Asp)

Gene: GLDC (glycine decarboxylase; minus strand). Cytogenetic location: 9p24.1.
Variant type: single nucleotide variant.
Coding change: c.292A>G on transcript NM_000170.3 (MANE Select); coding-DNA position 292, A replaced by G.
Protein change: p.Asn98Asp; replaces asparagine 98 with aspartic acid.
Molecular consequence: missense variant.
Genome position (GRCh38, 1-based): chr9:6,644,656, T>C on the plus strand (A>G on the coding strand, the complement: GLDC is on the minus strand). VCF-style: chr9-6644656-T-C. GRCh37 (hg19) VCF-style: chr9-6644656-T-C.
Other names: short protein forms N98D.
Identifiers: ClinVar variation 1304270 (VCV001304270.9), dbSNP rs750964572, ClinGen allele CA4981215.